The following is an entry in ClinVar:

ClinVar aggregate classification (germline): Benign. Review status: criteria provided, multiple submitters, no conflicts (2 of 4 stars). 3 submissions from 3 submitters: Benign (3). Last evaluated 2018-06-14.

Conditions:
Charcot-Marie-Tooth disease dominant intermediate C (CMTDIC). Also called: CHARCOT-MARIE-TOOTH NEUROPATHY, DOMINANT INTERMEDIATE C. Identifiers: Orphanet 100045, MedGen C1842237, MONDO:0012012, OMIM 608323.

Allele frequency attached by ClinVar (database versions not stated): TOPMed 0.07836; gnomAD 0.07941 and 0.07993; 1000 Genomes Project 0.06030; gnomAD exomes 0.05792; 1000 Genomes Project 30x 0.06277.
gnomAD v4.1: 12,144 of 153,376 alleles (7.9%); highest among the groups gnomAD compares: Admixed American, 16%; 681 homozygotes.

Submissions (3):

GeneDx
Classification: Benign. Last evaluated: 2018-06-14. Review status: criteria provided, single submitter. Criteria: GeneDx Variant Classification (06012015). Collection method: clinical testing. Allele origin: germline. Affected: yes.
Comment: This variant is considered likely benign or benign based on one or more of the following criteria: it is a conservative change, it occurs at a poorly conserved position in the protein, it is predicted to be benign by multiple in silico algorithms, and/or has population frequency not consistent with disease.

Illumina Laboratory Services, Illumina
Classification: Benign for Charcot-Marie-Tooth disease dominant intermediate C. Last evaluated: 2018-01-12. Review status: criteria provided, single submitter. Criteria: ICSL Variant Classification Criteria 13 December 2019. Collection method: clinical testing. Allele origin: germline.
Comment: This variant was observed in the ICSL laboratory as part of a predisposition screen in an ostensibly healthy population. It had not been previously curated by ICSL or reported in the Human Gene Mutation Database (HGMD: prior to June 1st, 2018), and was therefore a candidate for classification through an automated scoring system. Utilizing variant allele frequency, disease prevalence and penetrance estimates, and inheritance mode, an automated score was calculated to assess if this variant is too frequent to cause the disease. Based on the score and internal cut-off values, a variant classified as benign is not then subjected to further curation. The score for this variant resulted in a classification of benign for this disease.

Breakthrough Genomics
Classification: Benign. Review status: criteria provided, single submitter. Criteria: ACMG Guidelines, 2015. Collection method: not provided. Allele origin: germline. Inheritance: Unknown mechanism. Affected: yes.

NM_003680.3(YARS1):c.-683C>T

Genes: S100PBP (S100P binding protein; plus strand), YARS1 (tyrosyl-tRNA synthetase 1; minus strand), LOC132088696 (Neanderthal introgressed variant-containing enhancer experimental_6822; plus strand). Cytogenetic location: 1p35.1.
Variant type: single nucleotide variant.
Coding change: c.-683C>T on transcript NM_003680.3; 683 bases upstream of the start codon, C replaced by T.
Molecular consequence: intron variant (on NM_022753.4).
Genome position (GRCh38, 1-based): chr1:32,817,927, G>A on the plus strand (C>T on the coding strand, the complement: YARS1 is on the minus strand). VCF-style: chr1-32817927-G-A. GRCh37 (hg19) VCF-style: chr1-33283528-G-A.
Other names: c.-120+328G>A (NM_001256121.2); c.-120+238G>A (NM_022753.4).
Identifiers: ClinVar variation 297175 (VCV000297175.9), dbSNP rs72654022, ClinGen allele CA10610068.